The following is an entry in ClinVar:

ClinVar aggregate classification (germline): Conflicting classifications of pathogenicity. Review status: criteria provided, conflicting classifications (1 of 4 stars). 2 submissions from 2 submitters: Uncertain significance (1); Likely benign (1). Last evaluated 2025-06-04.

Conditions:
Inborn genetic diseases. Identifiers: MedGen C0950123, MeSH D030342.
Ellis-van Creveld syndrome (EVC). Also called: Chondroectodermal dysplasia; EVC-Related Ellis-van Creveld Syndrome; EVC2-Related Ellis-van Creveld Syndrome; MESOECTODERMAL DYSPLASIA. Identifiers: Orphanet 289, MedGen C0013903, MONDO:0009162, OMIM 225500.
Curry-Hall syndrome (WAD). Also called: WEYERS ACRODENTAL DYSOSTOSIS. Identifiers: Orphanet 952, MedGen C0457013, MONDO:0008673, OMIM 193530.

Allele frequency attached by ClinVar (database versions not stated): gnomAD exomes below 0.00001; gnomAD 0.00001.
gnomAD v4.1: 3 of 1,584,800 alleles (0.00019%); highest among the groups gnomAD compares: Admixed American, 0.0017%; no homozygotes.

Submissions (2):

Ambry Genetics
Classification: Likely benign for Inborn genetic diseases. Last evaluated: 2025-06-04. Review status: criteria provided, single submitter. Criteria: Ambry Variant Classification Scheme 2023. Collection method: clinical testing. Allele origin: germline.

Labcorp Genetics (formerly Invitae), Labcorp
Classification: Uncertain significance for Curry-Hall syndrome; Ellis-van Creveld syndrome. Last evaluated: 2021-08-31. Review status: criteria provided, single submitter. Criteria: Invitae Variant Classification Sherloc (09022015). Collection method: clinical testing. Allele origin: germline.
Comment: This sequence change replaces alanine with threonine at codon 1170 of the EVC2 protein (p.Ala1170Thr). The alanine residue is weakly conserved and there is a small physicochemical difference between alanine and threonine. This variant is present in population databases (rs748514374, ExAC 0.02%). This variant has not been reported in the literature in individuals affected with EVC2-related conditions. Algorithms developed to predict the effect of missense changes on protein structure and function output the following: SIFT: "Tolerated"; PolyPhen-2: "Benign"; Align-GVGD: "Class C0". The threonine amino acid residue is found in multiple mammalian species, which suggests that this missense change does not adversely affect protein function. In summary, the available evidence is currently insufficient to determine the role of this variant in disease. Therefore, it has been classified as a Variant of Uncertain Significance.

NM_147127.5(EVC2):c.3508G>A (p.Ala1170Thr)

Gene: EVC2 (EvC ciliary complex subunit 2; minus strand). Cytogenetic location: 4p16.2.
Variant type: single nucleotide variant.
Coding change: c.3508G>A on transcript NM_147127.5 (MANE Select); coding-DNA position 3508, G replaced by A.
Protein change: p.Ala1170Thr; replaces alanine 1170 with threonine.
Molecular consequence: missense variant.
Genome position (GRCh38, 1-based): chr4:5,568,493, C>T on the plus strand (G>A on the coding strand, the complement: EVC2 is on the minus strand). VCF-style: chr4-5568493-C-T. GRCh37 (hg19) VCF-style: chr4-5570220-C-T.
Other names: c.3268G>A, p.Ala1090Thr (NM_001166136.2); c.3508G>A (NM_147127.4); short protein forms A1170T, A1090T.
Identifiers: ClinVar variation 1350557 (VCV001350557.7), dbSNP rs748514374, ClinGen allele CA2834297.